The following is an entry in ClinVar:

ClinVar aggregate classification (germline): Uncertain significance (1 of 4 stars; one submission).

Conditions:
Pyruvate dehydrogenase E1-alpha deficiency (PDHAD). Also called: ATAXIA, INTERMITTENT, WITH PYRUVATE DEHYDROGENASE DEFICIENCY; ATAXIA WITH LACTIC ACIDOSIS I; ATAXIA, INTERMITTENT, WITH ABNORMAL PYRUVATE METABOLISM; Ataxia, intermittent, with pyruvate dehydrogenase, or decarboxylase, deficiency. Identifiers: Orphanet 79243, MedGen C1839413, MONDO:0010717, OMIM 312170.

gnomAD v4.1: 2 of 1,158,722 alleles (0.00017%); highest among the groups gnomAD compares: Non-Finnish European, 0.00024%; no homozygotes.

Submission:

Labcorp Genetics (formerly Invitae), Labcorp
Classification: Uncertain significance for Pyruvate dehydrogenase E1-alpha deficiency. Last evaluated: 2024-10-16. Review status: criteria provided, single submitter. Criteria: Invitae Variant Classification Sherloc (09022015). Collection method: clinical testing. Allele origin: germline.
Comment: This sequence change affects codon 195 of the PDHA1 mRNA. It is a 'silent' change, meaning that it does not change the encoded amino acid sequence of the PDHA1 protein. This variant is not present in population databases (gnomAD no frequency). This variant has not been reported in the literature in individuals affected with PDHA1-related conditions. Algorithms developed to predict the effect of sequence changes on RNA splicing suggest that this variant may disrupt the consensus splice site. In summary, the available evidence is currently insufficient to determine the role of this variant in disease. Therefore, it has been classified as a Variant of Uncertain Significance.

NM_000284.4(PDHA1):c.585C>T (p.Gly195=)

Gene: PDHA1 (pyruvate dehydrogenase E1 subunit alpha 1; plus strand). Cytogenetic location: Xp22.12.
Variant type: single nucleotide variant.
Coding change: c.585C>T on transcript NM_000284.4 (MANE Select); coding-DNA position 585, C replaced by T.
Protein change: p.Gly195=; no amino-acid change (glycine 195 retained).
Molecular consequence: synonymous variant. On other transcripts: intron variant (1).
Genome position (GRCh38, 1-based): chrX:19,354,565, C>T. VCF-style: chrX-19354565-C-T. GRCh37 (hg19) VCF-style: chrX-19372683-C-T.
Other names: c.699C>T, p.Gly233= (NM_001173454.2); c.606C>T, p.Gly202= (NM_001173455.2); c.511-784C>T (NM_001173456.2).
Identifiers: ClinVar variation 3675994 (VCV003675994.2).
Genomic context (GRCh38, chrX:19,354,565, plus strand): 5'-TGGGATTGCTCTAGCCTGTAAGTATAATGGAAAAGATGAGGTCTGCCTGACTTTATATGG[C>T]GATGGTGCTGCTAACCAGGTAATTATGTCTCTTAACTTCCCAAAAACAGTCTTATTTTCA-3'
Protein context (NP_000275.1, residues 185-205): GKDEVCLTLY[Gly195=]DGAANQGQIF